The following is an entry in ClinVar:

NC_000009.12:g.35658038G>A

Gene: RMRP (RNA component of mitochondrial RNA processing endoribonuclease; minus strand). Cytogenetic location: 9p13.3.
Variant type: single nucleotide variant.
Genome position: GRCh38 VCF-style: chr9-35658038-G-A. GRCh37 (hg19) VCF-style: chr9-35658035-G-A.
Identifiers: ClinVar variation 660293 (VCV000660293.6), dbSNP rs183974004, ClinGen allele CA192745774.
Genomic context (GRCh38, chr9:35,658,038, plus strand): 5'-CCTCAGTGTGTAGCCTAGGATACAGGCCTTCAGCACGAACCACGTCCTCAGCTTCACAGA[G>A]TAGTATTTTATAGCCCTAAAGAAATTGTGTTTTATGATTAGGGTGAGAAAGTTGGTGGCG-3'

ClinVar aggregate classification (germline): Uncertain significance. Review status: criteria provided, multiple submitters, no conflicts (2 of 4 stars). 4 submissions from 4 submitters: Uncertain significance (3). 1 of the submissions does not count toward it. Last evaluated 2025-10-26.

Conditions:
Metaphyseal chondrodysplasia, McKusick type (CHH). Also called: Cartilage-Hair Hypoplasia (CHH); Cartilage-hair hypoplasia. Identifiers: Orphanet 175, MedGen C0220748, MONDO:0009595, OMIM 250250.
Anauxetic dysplasia 1 (ANXD1). Also called: Anauxetic Dysplasia (AD). Identifiers: Orphanet 93347, MedGen C4551965, MONDO:0054560, OMIM 607095.
Metaphyseal dysplasia without hypotrichosis. Also called: Metaphyseal Dysplasia without Hypotrichosis (MDWH); CARTILAGE-HAIR HYPOPLASIA VARIANT, SKELETAL MANIFESTATIONS ONLY; CARTILAGE-HAIR HYPOPLASIA-LIKE SKELETAL DYSPLASIA WITHOUT HYPOTRICHOSIS OR IMMUNODEFICIENCY. Identifiers: MedGen C1834821, MONDO:0009601, OMIM 250460.
Anauxetic dysplasia. Identifiers: Orphanet 93347, MedGen C1846796, MONDO:0011773.

Allele frequency attached by ClinVar (database versions not stated): 1000 Genomes Project 30x 0.00016; TOPMed 0.00016; 1000 Genomes Project 0.00040.

Submissions (4):

Labcorp Genetics (formerly Invitae), Labcorp
Classification: Uncertain significance for Anauxetic dysplasia. Last evaluated: 2025-10-26. Review status: criteria provided, single submitter. Criteria: Invitae Variant Classification Sherloc (09022015). Collection method: clinical testing. Allele origin: germline.
Comment: This variant occurs in the RMRP gene, which encodes an RNA molecule that does not result in a protein product. This variant is present in population databases (rs183974004, gnomAD 0.02%). This variant has not been reported in the literature in individuals affected with RMRP-related conditions. ClinVar contains an entry for this variant (Variation ID: 660293). Experimental studies and prediction algorithms are not available or were not evaluated, and the functional significance of this variant is currently unknown. In summary, the available evidence is currently insufficient to determine the role of this variant in disease. Therefore, it has been classified as a Variant of Uncertain Significance.

Women's Health and Genetics/Laboratory Corporation of America, LabCorp
Classification: Uncertain significance. Last evaluated: 2022-07-13. Review status: criteria provided, single submitter. Criteria: LabCorp Variant Classification Summary - May 2015. Collection method: clinical testing. Allele origin: germline.
Comment: Variant summary: RMRP n.-20C>T is located in the untranscribed region upstream of the RMRP gene region. The variant allele was found at a frequency of 0.00012 in 152184 control chromosomes (gnomAD). This frequency is not higher than expected for a pathogenic variant in RMRP causing Cartilage-Hair Hypoplasia (0.00012 vs 0.0072), allowing no conclusion about variant significance. To our knowledge, no occurrence of n.-20C>T in individuals affected with Cartilage-Hair Hypoplasia and no experimental evidence demonstrating its impact on protein function have been reported. Two clinical diagnostic laboratories have submitted clinical-significance assessments for this variant to ClinVar after 2014 and all classified the variant as uncertain significance. Based on the evidence outlined above, the variant was classified as uncertain significance.

Fulgent Genetics
Classification: Uncertain significance for Metaphyseal chondrodysplasia, McKusick type; Metaphyseal dysplasia without hypotrichosis; Anauxetic dysplasia 1. Last evaluated: 2022-01-18. Review status: criteria provided, single submitter. Criteria: ACMG Guidelines, 2015. Collection method: clinical testing. Allele origin: unknown.

Natera, Inc.
Classification: Uncertain significance for Cartilage-hair hypoplasia. Last evaluated: 2021-04-15. Review status: no assertion criteria provided. Collection method: clinical testing. Allele origin: germline. Not counted in ClinVar's aggregate classification.